The following is an entry in ClinVar:

ClinVar aggregate classification (germline): Uncertain significance (1 of 4 stars; one submission).

Allele frequency attached by ClinVar (database versions not stated): ExAC 0.00009; gnomAD 0.00015; TOPMed 0.00015; 1000 Genomes Project 30x 0.00016; 1000 Genomes Project 0.00020.
gnomAD v4.1: 57 of 1,604,490 alleles (0.0036%); highest among the groups gnomAD compares: African/African-American, 0.037%; 1 homozygote.

Submission:

Ambry Genetics
Classification: Uncertain significance. Last evaluated: 2024-12-02. Review status: criteria provided, single submitter. Criteria: Ambry Variant Classification Scheme 2023. Collection method: clinical testing. Allele origin: germline.
Comment: The p.L1499Q variant (also known as c.4496T>A), located in coding exon 19 of the WNK2 gene, results from a T to A substitution at nucleotide position 4496. The leucine at codon 1499 is replaced by glutamine, an amino acid with dissimilar properties. This amino acid position is conserved. In addition, this alteration is predicted to be tolerated by in silico analysis. Based on the available evidence, the clinical significance of this variant remains unclear.

NM_006648.4(WNK2):c.4496T>A (p.Leu1499Gln)

Gene: WNK2 (WNK lysine deficient protein kinase 2; plus strand). Cytogenetic location: 9q22.31.
Variant type: single nucleotide variant.
Coding change: c.4496T>A on transcript NM_006648.4 (MANE Select); coding-DNA position 4496, T replaced by A.
Protein change: p.Leu1499Gln; replaces leucine 1499 with glutamine.
Molecular consequence: missense variant.
Genome position (GRCh38, 1-based): chr9:93,289,250, T>A. VCF-style: chr9-93289250-T-A. GRCh37 (hg19) VCF-style: chr9-96051532-T-A.
Other names: c.4607T>A, p.Leu1536Gln (NM_001282394.3); short protein forms L1499Q, L1536Q.
Identifiers: ClinVar variation 2385739 (VCV002385739.3), dbSNP rs560781574, ClinGen allele CA5130341.